The following is an entry in ClinVar:

NM_021922.3(FANCE):c.448A>G (p.Met150Val)

Gene: FANCE (FA complementation group E; plus strand). Cytogenetic location: 6p21.31.
Variant type: single nucleotide variant.
Coding change: c.448A>G on transcript NM_021922.3 (MANE Select); coding-DNA position 448, A replaced by G.
Protein change: p.Met150Val; replaces methionine 150 with valine.
Molecular consequence: missense variant.
Genome position (GRCh38, 1-based): chr6:35,455,946, A>G. VCF-style: chr6-35455946-A-G. GRCh37 (hg19) VCF-style: chr6-35423723-A-G.
Other names: short protein forms M150V.
Identifiers: ClinVar variation 1034729 (VCV001034729.9), dbSNP rs1489457999, ClinGen allele CA363772926.
Genomic context (GRCh38, chr6:35,455,946, plus strand): 5'-GATGCCTGGCTCCGTGCCCTGGGGGAATTGCTGCGAAGGGATTTGGGGGTGGGGACCTCC[A>G]TGGAGGGAGCTTCTCCACTGTCTGAAAGATGCCAGAGACAGCTCCAAAGTCTATGTAGGG-3'
Protein context (NP_068741.1, residues 140-160): LRRDLGVGTS[Met150Val]EGASPLSERC

ClinVar aggregate classification (germline): Conflicting classifications of pathogenicity. Review status: criteria provided, conflicting classifications (1 of 4 stars). 2 submissions from 2 submitters: Uncertain significance (1); Likely benign (1). Last evaluated 2023-07-28.

Conditions:
Fanconi anemia complementation group E (FANCE). Also called: FANCE-Related Fanconi Anemia. Identifiers: Orphanet 84, MedGen C3160739, MONDO:0010953, OMIM 600901.

Allele frequency attached by ClinVar (database versions not stated): gnomAD exomes below 0.00001.

Submissions (2):

Labcorp Genetics (formerly Invitae), Labcorp
Classification: Uncertain significance for Fanconi anemia complementation group E. Last evaluated: 2023-07-28. Review status: criteria provided, single submitter. Criteria: Invitae Variant Classification Sherloc (09022015). Collection method: clinical testing. Allele origin: germline.
Comment: In summary, the available evidence is currently insufficient to determine the role of this variant in disease. Therefore, it has been classified as a Variant of Uncertain Significance. Algorithms developed to predict the effect of missense changes on protein structure and function output the following: SIFT: "Not Available"; PolyPhen-2: "Benign"; Align-GVGD: "Not Available". The valine amino acid residue is found in multiple mammalian species, which suggests that this missense change does not adversely affect protein function. ClinVar contains an entry for this variant (Variation ID: 1034729). This variant has not been reported in the literature in individuals affected with FANCE-related conditions. This variant is present in population databases (no rsID available, gnomAD 0.003%). This sequence change replaces methionine, which is neutral and non-polar, with valine, which is neutral and non-polar, at codon 150 of the FANCE protein (p.Met150Val).

Blueprint Genetics
Classification: Likely benign. Last evaluated: 2023-06-26. Review status: criteria provided, single submitter. Criteria: ACMG Guidelines, 2015. Collection method: clinical testing. Allele origin: germline.